The following is an entry in ClinVar:

ClinVar aggregate classification (germline): Likely pathogenic (1 of 4 stars; one submission).

Submission:

Labcorp Genetics (formerly Invitae), Labcorp
Classification: Likely pathogenic. Last evaluated: 2024-05-21. Review status: criteria provided, single submitter. Criteria: Invitae Variant Classification Sherloc (09022015). Collection method: clinical testing. Allele origin: germline.
Comment: This sequence change affects an acceptor splice site in intron 11 of the LZTR1 gene. It is expected to disrupt RNA splicing. Variants that disrupt the donor or acceptor splice site typically lead to a loss of protein function (PMID: 16199547), and loss-of-function variants in LZTR1 are known to be pathogenic (PMID: 24362817, 25335493, 25480913, 25795793, 29469822, 30368668, 30442762, 30442766, 30481304, 30859559). This variant is not present in population databases (gnomAD no frequency). This variant has not been reported in the literature in individuals affected with LZTR1-related conditions. Algorithms developed to predict the effect of sequence changes on RNA splicing suggest that this variant may disrupt the consensus splice site. In summary, the currently available evidence indicates that the variant is pathogenic, but additional data are needed to prove that conclusively. Therefore, this variant has been classified as Likely Pathogenic.

Literature cited by the submitters: PubMed 16199547; PubMed 24362817; PubMed 25335493; PubMed 25480913; PubMed 25795793; PubMed 29469822; PubMed 30368668; PubMed 30442762; PubMed 30442766; PubMed 30481304; PubMed 30859559.

NM_006767.4(LZTR1):c.1261-1G>C

Gene: LZTR1 (leucine zipper like post translational regulator 1; plus strand). Cytogenetic location: 22q11.21.
Variant type: single nucleotide variant.
Coding change: c.1261-1G>C on transcript NM_006767.4 (MANE Select); the canonical splice acceptor site of the intron before coding-DNA position 1261, G replaced by C.
Molecular consequence: splice acceptor variant.
Genome position (GRCh38, 1-based): chr22:20,993,661, G>C. VCF-style: chr22-20993661-G-C. GRCh37 (hg19) VCF-style: chr22-21347950-G-C.
Identifiers: ClinVar variation 3694343 (VCV003694343.2).
Genomic context (GRCh38, chr22:20,993,661, plus strand): 5'-CAGCCACACTGGGGCCACCCTGCTGTCTGCAACATCTAGTCTCACTGGGCCCCTCTTGCA[G>C]TTCTCCTGTTACCCTAAATGCACGCTGCACGAGGACTACGGGCGGCTGTGGGAGAGCCGC-3'